The following is an entry in ClinVar:

NM_001253697.2(ERBIN):c.961C>T (p.Leu321Phe)

Gene: ERBIN (erbb2 interacting protein; plus strand). Cytogenetic location: 5q12.3.
Variant type: single nucleotide variant.
Coding change: c.961C>T on transcript NM_001253697.2 (MANE Select); coding-DNA position 961, C replaced by T.
Protein change: p.Leu321Phe; replaces leucine 321 with phenylalanine.
Molecular consequence: missense variant.
Genome position (GRCh38, 1-based): chr5:66,025,918, C>T. VCF-style: chr5-66025918-C-T. GRCh37 (hg19) VCF-style: chr5-65321746-C-T.
Other names: c.961C>T, p.Leu321Phe (NM_001006600.3, NM_001253698.2, NM_001253699.2 and 2 more transcripts); short protein forms L321F.
Identifiers: ClinVar variation 2828715 (VCV002828715.3), dbSNP rs866589564, ClinGen allele CA359975320.

ClinVar aggregate classification (germline): Uncertain significance (1 of 4 stars; one submission).

Allele frequency attached by ClinVar (database versions not stated): TOPMed below 0.00001; gnomAD 0.00001.
gnomAD v4.1: 1 of 1,594,308 alleles (0.000063%); highest among the groups gnomAD compares: East Asian, 0.0023%; no homozygotes.

Submission:

Labcorp Genetics (formerly Invitae), Labcorp
Classification: Uncertain significance. Last evaluated: 2024-08-05. Review status: criteria provided, single submitter. Criteria: Invitae Variant Classification Sherloc (09022015). Collection method: clinical testing. Allele origin: germline.
Comment: This sequence change replaces leucine, which is neutral and non-polar, with phenylalanine, which is neutral and non-polar, at codon 321 of the ERBIN protein (p.Leu321Phe). This variant is not present in population databases (gnomAD no frequency). This variant has not been reported in the literature in individuals affected with ERBIN-related conditions. An algorithm developed to predict the effect of missense changes on protein structure and function (PolyPhen-2) suggests that this variant is likely to be disruptive. In summary, the available evidence is currently insufficient to determine the role of this variant in disease. Therefore, it has been classified as a Variant of Uncertain Significance.